The following is an entry in ClinVar:

NM_022552.5(DNMT3A):c.1637T>G (p.Val546Gly)

Gene: DNMT3A (DNA methyltransferase 3 alpha; minus strand). Cytogenetic location: 2p23.3.
Variant type: single nucleotide variant.
Coding change: c.1637T>G on transcript NM_022552.5 (MANE Select); coding-DNA position 1637, T replaced by G.
Protein change: p.Val546Gly; replaces valine 546 with glycine.
Molecular consequence: missense variant. On other transcripts: non-coding transcript variant (1).
Genome position (GRCh38, 1-based): chr2:25,244,570, A>C on the plus strand (T>G on the coding strand, the complement: DNMT3A is on the minus strand). VCF-style: chr2-25244570-A-C. GRCh37 (hg19) VCF-style: chr2-25467439-A-C.
Other names: c.1181T>G, p.Val394Gly (NM_001320893.1); c.968T>G, p.Val323Gly (NM_001375819.1); c.1070T>G, p.Val357Gly (NM_153759.3); c.1637T>G, p.Val546Gly (NM_175629.2); short protein forms V323G, V357G, V394G, V546G.
Identifiers: ClinVar variation 4795202 (VCV004795202.1).

ClinVar aggregate classification (germline): Uncertain significance (1 of 4 stars; one submission).

Conditions:
DNMT3A-related disorder. Also called: DNMT3A-related condition; DNMT3A-related disorders.

Submission:

Laboratorio de Biologia Molecular/Medicina Genomica - IFF/Fiocruz, Instituto Fernandes Figueira, Fundacao Oswaldo Cruz
Classification: Uncertain significance for DNMT3A-related conditions. Last evaluated: 2025-09-02. Review status: criteria provided, single submitter. Criteria: ACMG Guidelines, 2015. Collection method: clinical testing. Allele origin: germline. Affected: yes. Observed: 1 variant allele.
Comment: Variant: c.1637T>G (p.Val546Gly) in exon 14 of the DNMT3A gene. Protein effect: Missense substitution at a highly conserved residue within a well-established functional region where pathogenic variants are frequently reported. In silico tools: Predict a deleterious impact. Population database (gnomAD): Absent. ACMG/AMP criteria applied: PM1, PM2_Supporting, PP3.